The following is an entry in ClinVar:

ClinVar aggregate classification (germline): Pathogenic (1 of 4 stars; one submission).

Submission:

Clinical Genomics Laboratory, Laboratory for Precision Diagnostics, University of Washington
Classification: Pathogenic. Last evaluated: 2019-04-23. Review status: criteria provided, single submitter. Criteria: Clinical Cytogenomics Laboratory Policy on CNV Interpretation. Collection method: clinical testing. Allele origin: unknown. Affected: yes. Observed: 1 variant allele.
Comment: Risk factor for neurocognitive abnormalities with low penetrance and variable expressivity

Literature cited by the submitters: PubMed 22922608; PubMed 28588435; PubMed 21359847; PubMed 30878790; PubMed 24821083; PubMed 27566550.

GRCh37/hg19 15q11.2(chr15:22770994-23109890)x3

Genes: CYFIP1 (cytoplasmic FMR1 interacting protein 1; minus strand), NIPA1 (NIPA magnesium transporter 1; plus strand), NIPA2 (NIPA magnesium transporter 2; plus strand), TUBGCP5 (tubulin gamma complex component 5; minus strand). Cytogenetic location: 15q11.2.
Variant type: copy number gain.
Change: copy number 3 (three copies instead of two) of chr15:22,770,994-23,109,890 (338.9 kb, GRCh37 coordinates, 1-based), cytogenetic band 15q11.2.
Identifiers: ClinVar variation 929332 (VCV000929332.2).